The following is an entry in ClinVar:

ClinVar aggregate classification (germline): Uncertain significance (1 of 4 stars; one submission).

Conditions:
Charcot-Marie-Tooth disease type 4. Also called: Charcot-Marie-Tooth, Type 4; Charcot-Marie-Tooth disease, type IV. Identifiers: Orphanet 64749, MedGen C4082197, MONDO:0018995.

Allele frequency attached by ClinVar (database versions not stated): gnomAD exomes below 0.00001.
gnomAD v4.1: 1 of 1,614,148 alleles (0.000062%); highest among the groups gnomAD compares: Non-Finnish European, 0.000085%; no homozygotes.

Submission:

Labcorp Genetics (formerly Invitae), Labcorp
Classification: Uncertain significance for Charcot-Marie-Tooth disease type 4. Last evaluated: 2021-12-02. Review status: criteria provided, single submitter. Criteria: Invitae Variant Classification Sherloc (09022015). Collection method: clinical testing. Allele origin: germline.
Comment: This sequence change replaces tyrosine, which is neutral and polar, with histidine, which is basic and polar, at codon 767 of the SH3TC2 protein (p.Tyr767His). This variant is not present in population databases (gnomAD no frequency). This variant has not been reported in the literature in individuals affected with SH3TC2-related conditions. Advanced modeling of protein sequence and biophysical properties (such as structural, functional, and spatial information, amino acid conservation, physicochemical variation, residue mobility, and thermodynamic stability) performed at Invitae indicates that this missense variant is not expected to disrupt SH3TC2 protein function. In summary, the available evidence is currently insufficient to determine the role of this variant in disease. Therefore, it has been classified as a Variant of Uncertain Significance.

NM_024577.4(SH3TC2):c.2299T>C (p.Tyr767His)

Gene: SH3TC2 (SH3 domain and tetratricopeptide repeats 2; minus strand). Cytogenetic location: 5q32.
Variant type: single nucleotide variant.
Coding change: c.2299T>C on transcript NM_024577.4 (MANE Select); coding-DNA position 2299, T replaced by C.
Protein change: p.Tyr767His; replaces tyrosine 767 with histidine.
Molecular consequence: missense variant.
Genome position (GRCh38, 1-based): chr5:149,027,433, A>G on the plus strand (T>C on the coding strand, the complement: SH3TC2 is on the minus strand). VCF-style: chr5-149027433-A-G. GRCh37 (hg19) VCF-style: chr5-148406996-A-G.
Other names: short protein forms Y767H.
Identifiers: ClinVar variation 1479020 (VCV001479020.8), dbSNP rs2127397225, ClinGen allele CA361666659.